The following is an entry in ClinVar:

NM_001082486.2(ACD):c.790A>C (p.Thr264Pro)

Gene: ACD (ACD shelterin complex subunit and telomerase recruitment factor; minus strand). Cytogenetic location: 16q22.1.
Variant type: single nucleotide variant.
Coding change: c.790A>C on transcript NM_001082486.2 (MANE Select); coding-DNA position 790, A replaced by C.
Protein change: p.Thr264Pro; replaces threonine 264 with proline.
Molecular consequence: missense variant.
Genome position (GRCh38, 1-based): chr16:67,658,594, T>G on the plus strand (A>C on the coding strand, the complement: ACD is on the minus strand). VCF-style: chr16-67658594-T-G. GRCh37 (hg19) VCF-style: chr16-67692497-T-G.
Other names: c.781A>C, p.Thr261Pro (NM_022914.3); short protein forms T261P, T264P.
Identifiers: ClinVar variation 1775968 (VCV001775968.3), dbSNP rs750368038, ClinGen allele CA396353235.

ClinVar aggregate classification (germline): Uncertain significance. Review status: criteria provided, multiple submitters, no conflicts (2 of 4 stars). 2 submissions from 2 submitters: Uncertain significance (2). Last evaluated 2024-12-18.

Conditions:
ACD-related disorder. Also called: ACD-related condition.
Inborn genetic diseases. Identifiers: MedGen C0950123, MeSH D030342.

Submissions (2):

PreventionGenetics, part of Exact Sciences
Classification: Uncertain significance for ACD-related condition. Last evaluated: 2024-12-18. Review status: criteria provided, single submitter. Criteria: ACMG Guidelines, 2015. Collection method: clinical testing. Allele origin: germline.
Comment: The ACD c.1048A>C variant is predicted to result in the amino acid substitution p.Thr350Pro. To our knowledge, this variant has not been reported in the literature or in a large population database (gnomAD), indicating this variant is rare. At this time, the clinical significance of this variant is uncertain due to the absence of conclusive functional and genetic evidence.

Ambry Genetics
Classification: Uncertain significance for Inborn genetic diseases. Last evaluated: 2022-06-09. Review status: criteria provided, single submitter. Criteria: Ambry Variant Classification Scheme 2023. Collection method: clinical testing. Allele origin: germline.
Comment: The p.T350P variant (also known as c.1048A>C), located in coding exon 9 of the ACD gene, results from an A to C substitution at nucleotide position 1048. The threonine at codon 350 is replaced by proline, an amino acid with highly similar properties. This amino acid position is conserved. In addition, this alteration is predicted to be tolerated by in silico analysis. Since supporting evidence is limited at this time, the clinical significance of this alteration remains unclear.